The following is an entry in ClinVar:

NM_001184880.2(PCDH19):c.2640dup (p.Asn881fs)

Gene: PCDH19 (protocadherin 19; minus strand). Cytogenetic location: Xq22.1.
Variant type: Duplication.
Coding change: c.2640dup on transcript NM_001184880.2 (MANE Select); coding-DNA position 2640, one base duplicated (C; older notation c.2640dupC).
Protein change: p.Asn881fs; shifts the reading frame from asparagine 881.
Molecular consequence: frameshift variant.
Genome position (GRCh38, 1-based): chrX:100,350,681, G duplicated on the plus strand (C on the coding strand, the reverse complement: PCDH19 is on the minus strand); the first of 2 consecutive G bases (chrX:100,350,681-100,350,682); duplicating either gives the same sequence. VCF-style (leftmost placement, unchanged base first): chrX-100350680-T-TG. GRCh37 (hg19) VCF-style: chrX-99605678-T-TG.
Other names: c.2499dup, p.Asn834fs (NM_001105243.2, NM_020766.3); short protein forms N881fs, N834fs.
Identifiers: ClinVar variation 3649762 (VCV003649762.2).

ClinVar aggregate classification (germline): Pathogenic (1 of 4 stars; one submission).

Conditions:
Developmental and epileptic encephalopathy, 9 (DEE9). Also called: Early infantile epileptic encephalopathy 9; PCDH19-Related X-Linked Female-Limited Epilepsy with Mental Retardation; EPILEPSY, FEMALE-RESTRICTED, WITH MENTAL RETARDATION; JUBERG-HELLMAN SYNDROME. Identifiers: Orphanet 101039, Orphanet 2076, MedGen C1848137, MONDO:0010246, OMIM 300088. Disease mechanism: loss of function.

Submission:

Labcorp Genetics (formerly Invitae), Labcorp
Classification: Pathogenic for Developmental and epileptic encephalopathy, 9. Last evaluated: 2024-04-22. Review status: criteria provided, single submitter. Criteria: Invitae Variant Classification Sherloc (09022015). Collection method: clinical testing. Allele origin: germline.
Comment: This sequence change creates a premature translational stop signal (p.Asn881Glnfs*5) in the PCDH19 gene. It is expected to result in an absent or disrupted protein product. Loss-of-function variants in PCDH19 are known to be pathogenic (PMID: 21053371). This variant is present in population databases (no rsID available, gnomAD 0.001%). This variant has not been reported in the literature in individuals affected with PCDH19-related conditions. For these reasons, this variant has been classified as Pathogenic.

Literature cited by the submitters: PubMed 21053371.